The following is an entry in ClinVar:

NM_004329.3(BMPR1A):c.421G>A (p.Val141Ile)

Gene: BMPR1A (bone morphogenetic protein receptor type 1A; plus strand). Cytogenetic location: 10q23.2.
Variant type: single nucleotide variant.
Coding change: c.421G>A on transcript NM_004329.3 (MANE Select); coding-DNA position 421, G replaced by A.
Protein change: p.Val141Ile; replaces valine 141 with isoleucine.
Molecular consequence: missense variant.
Genome position (GRCh38, 1-based): chr10:86,899,881, G>A. VCF-style: chr10-86899881-G-A. GRCh37 (hg19) VCF-style: chr10-88659638-G-A.
Other names: short protein forms V141I.
Identifiers: ClinVar variation 1017209 (VCV001017209.9), dbSNP rs1244692883, ClinGen allele CA377449848.

ClinVar aggregate classification (germline): Uncertain significance (1 of 4 stars; one submission).

Conditions:
Juvenile polyposis syndrome (JPS). Identifiers: Orphanet 2929, MedGen C0345893, MONDO:0017380, OMIM 174900.

Allele frequency attached by ClinVar (database versions not stated): gnomAD exomes below 0.00001.
gnomAD v4.1: 1 of 1,614,046 alleles (0.000062%); highest among the groups gnomAD compares: South Asian, 0.0011%; no homozygotes.

Submission:

Labcorp Genetics (formerly Invitae), Labcorp
Classification: Uncertain significance for Juvenile polyposis syndrome. Last evaluated: 2023-11-02. Review status: criteria provided, single submitter. Criteria: Invitae Variant Classification Sherloc (09022015). Collection method: clinical testing. Allele origin: germline.
Comment: This sequence change replaces valine, which is neutral and non-polar, with isoleucine, which is neutral and non-polar, at codon 141 of the BMPR1A protein (p.Val141Ile). This variant is present in population databases (no rsID available, gnomAD 0.003%). This variant has not been reported in the literature in individuals affected with BMPR1A-related conditions. ClinVar contains an entry for this variant (Variation ID: 1017209). Advanced modeling of protein sequence and biophysical properties (such as structural, functional, and spatial information, amino acid conservation, physicochemical variation, residue mobility, and thermodynamic stability) performed at Invitae indicates that this missense variant is not expected to disrupt BMPR1A protein function with a negative predictive value of 80%. In summary, the available evidence is currently insufficient to determine the role of this variant in disease. Therefore, it has been classified as a Variant of Uncertain Significance.